The following is an entry in ClinVar:

NM_000395.3(CSF2RB):c.995T>C (p.Ile332Thr)

Gene: CSF2RB (colony stimulating factor 2 receptor subunit beta; plus strand). Cytogenetic location: 22q12.3.
Variant type: single nucleotide variant.
Coding change: c.995T>C on transcript NM_000395.3 (MANE Select); coding-DNA position 995, T replaced by C.
Protein change: p.Ile332Thr; replaces isoleucine 332 with threonine.
Molecular consequence: missense variant.
Genome position (GRCh38, 1-based): chr22:36,930,813, T>C. VCF-style: chr22-36930813-T-C. GRCh37 (hg19) VCF-style: chr22-37326855-T-C.
Other names: c.1013T>C, p.Ile338Thr (NM_001410827.1); short protein forms I332T, I338T.
Identifiers: ClinVar variation 4780381 (VCV004780381.1).

ClinVar aggregate classification (germline): Uncertain significance (1 of 4 stars; one submission).

gnomAD v4.1: 9 of 1,614,044 alleles (0.00056%); highest among the groups gnomAD compares: Non-Finnish European, 0.00076%; no homozygotes.

Submission:

Labcorp Genetics (formerly Invitae), Labcorp
Classification: Uncertain significance. Last evaluated: 2025-04-19. Review status: criteria provided, single submitter. Criteria: Invitae Variant Classification Sherloc (09022015). Collection method: clinical testing. Allele origin: germline.
Comment: This sequence change replaces isoleucine, which is neutral and non-polar, with threonine, which is neutral and polar, at codon 332 of the CSF2RB protein (p.Ile332Thr). This variant is present in population databases (rs750845271, gnomAD 0.002%). This variant has not been reported in the literature in individuals affected with CSF2RB-related conditions. Invitae Evidence Modeling of protein sequence and biophysical properties (such as structural, functional, and spatial information, amino acid conservation, physicochemical variation, residue mobility, and thermodynamic stability) indicates that this missense variant is expected to disrupt CSF2RB protein function with a positive predictive value of 80%. In summary, the available evidence is currently insufficient to determine the role of this variant in disease. Therefore, it has been classified as a Variant of Uncertain Significance.